The following is an entry in ClinVar:

ClinVar aggregate classification (germline): Uncertain significance (1 of 4 stars; one submission).

Allele frequency attached by ClinVar (database versions not stated): gnomAD 0.00001.
gnomAD v4.1: 1 of 1,613,468 alleles (0.000062%); highest among the groups gnomAD compares: African/African-American, 0.0013%; no homozygotes.

Submission:

Labcorp Genetics (formerly Invitae), Labcorp
Classification: Uncertain significance. Last evaluated: 2022-11-01. Review status: criteria provided, single submitter. Criteria: Invitae Variant Classification Sherloc (09022015). Collection method: clinical testing. Allele origin: germline.
Comment: This sequence change replaces glycine, which is neutral and non-polar, with arginine, which is basic and polar, at codon 1231 of the PCDH15 protein (p.Gly1231Arg). This variant is present in population databases (no rsID available, gnomAD 0.007%). This variant has not been reported in the literature in individuals affected with PCDH15-related conditions. Advanced modeling of protein sequence and biophysical properties (such as structural, functional, and spatial information, amino acid conservation, physicochemical variation, residue mobility, and thermodynamic stability) has been performed at Invitae for this missense variant, however the output from this modeling did not meet the statistical confidence thresholds required to predict the impact of this variant on PCDH15 protein function. In summary, the available evidence is currently insufficient to determine the role of this variant in disease. Therefore, it has been classified as a Variant of Uncertain Significance.

NM_001384140.1(PCDH15):c.3691G>A (p.Gly1231Arg)

Gene: PCDH15 (protocadherin related 15; minus strand). Cytogenetic location: 10q21.1.
Variant type: single nucleotide variant.
Coding change: c.3691G>A on transcript NM_001384140.1 (MANE Select); coding-DNA position 3691, G replaced by A.
Protein change: p.Gly1231Arg; replaces glycine 1231 with arginine.
Molecular consequence: missense variant.
Genome position (GRCh38, 1-based): chr10:53,866,668, C>T on the plus strand (G>A on the coding strand, the complement: PCDH15 is on the minus strand). VCF-style: chr10-53866668-C-T. GRCh37 (hg19) VCF-style: chr10-55626428-C-T.
Other names: c.3706G>A, p.Gly1236Arg (NM_001142763.2, NM_001142771.2); c.3691G>A, p.Gly1231Arg (NM_001142764.2, NM_001142766.2, NM_001142770.3 and 4 more transcripts); c.3478G>A, p.Gly1160Arg (NM_001142765.2); c.3580G>A, p.Gly1194Arg (NM_001142767.2); c.3625G>A, p.Gly1209Arg (NM_001142768.2, NM_001142773.2, NM_001354404.2); c.3727G>A, p.Gly1243Arg (NM_001142769.4); c.3712G>A, p.Gly1238Arg (NM_001354411.2); short protein forms G1236R, G1209R, G1231R, G1238R, G1160R, G1194R, G1243R.
Identifiers: ClinVar variation 2141700 (VCV002141700.4), dbSNP rs1366395465, ClinGen allele CA376516486.
Genomic context (GRCh38, chr10:53,866,668, plus strand): 5'-GCTACTTCCCTTTCCTGAAGTTTTATCTACTTACGAGTACATCGGCTTTGCCGCTCAGTC[C>T]CTTCCCATAGTCGTCAGTTGCAATAACTTGAAACTTGAAGTAGGATCTCCTCATATTATG-3'
Protein context (NP_001371069.1, residues 1221-1241): QVIATDDYGK[Gly1231Arg]LSGKADVLVS